The following is an entry in ClinVar:

ClinVar aggregate classification (germline): Uncertain significance (1 of 4 stars; one submission).

Conditions:
Neuropathy, hereditary motor and sensory, type 6B (HMSN6B). Also called: NEUROPATHY, HEREDITARY MOTOR AND SENSORY, TYPE VIB, WITH OPTIC ATROPHY; HMSN VIB; CHARCOT-MARIE-TOOTH DISEASE, TYPE 6B; Neuropathy, hereditary motor and sensory, type VIB. Identifiers: MedGen C4225302, MONDO:0014671, OMIM 616505.

gnomAD v4.1: 6 of 1,606,666 alleles (0.00037%); highest among the groups gnomAD compares: Admixed American, 0.0084%; no homozygotes.

Submission:

Labcorp Genetics (formerly Invitae), Labcorp
Classification: Uncertain significance for Neuropathy, hereditary motor and sensory, type 6B. Last evaluated: 2024-10-24. Review status: criteria provided, single submitter. Criteria: Invitae Variant Classification Sherloc (09022015). Collection method: clinical testing. Allele origin: germline.
Comment: This sequence change replaces histidine, which is basic and polar, with glutamine, which is neutral and polar, at codon 118 of the SLC25A46 protein (p.His118Gln). This variant is present in population databases (no rsID available, gnomAD 0.02%). This variant has not been reported in the literature in individuals affected with SLC25A46-related conditions. ClinVar contains an entry for this variant (Variation ID: 2151491). An algorithm developed to predict the effect of missense changes on protein structure and function (PolyPhen-2) suggests that this variant¬†is likely to be tolerated. In summary, the available evidence is currently insufficient to determine the role of this variant in disease. Therefore, it has been classified as a Variant of Uncertain Significance.

NM_138773.4(SLC25A46):c.354T>A (p.His118Gln)

Gene: SLC25A46 (solute carrier family 25 member 46; plus strand). Cytogenetic location: 5q22.1.
Variant type: single nucleotide variant.
Coding change: c.354T>A on transcript NM_138773.4 (MANE Select); coding-DNA position 354, T replaced by A.
Protein change: p.His118Gln; replaces histidine 118 with glutamine.
Molecular consequence: missense variant. On other transcripts: non-coding transcript variant (1).
Genome position (GRCh38, 1-based): chr5:110,743,757, T>A. VCF-style: chr5-110743757-T-A. GRCh37 (hg19) VCF-style: chr5-110079458-T-A.
Other names: c.354T>A, p.His118Gln (NM_001303249.3); c.81T>A, p.His27Gln (NM_001303250.3); short protein forms H118Q, H27Q.
Identifiers: ClinVar variation 2151491 (VCV002151491.3), dbSNP rs748251446, ClinGen allele CA360694264.